The following is an entry in ClinVar:

NM_000784.4(CYP27A1):c.1263+1G>T

Gene: CYP27A1 (cytochrome P450 family 27 subfamily A member 1; plus strand). Cytogenetic location: 2q35.
Variant type: single nucleotide variant.
Coding change: c.1263+1G>T on transcript NM_000784.4 (MANE Select); the canonical splice donor site of the intron after coding-DNA position 1263, G replaced by T.
Molecular consequence: splice donor variant.
Genome position (GRCh38, 1-based): chr2:218,814,459, G>T. VCF-style: chr2-218814459-G-T. GRCh37 (hg19) VCF-style: chr2-219679182-G-T.
Identifiers: ClinVar variation 1918228 (VCV001918228.6), dbSNP rs397515355, ClinGen allele CA350593583.

ClinVar aggregate classification (germline): Pathogenic. Review status: criteria provided, multiple submitters, no conflicts (2 of 4 stars). 2 submissions from 2 submitters: Pathogenic (2). Last evaluated 2023-12-28.

Conditions:
CYP27A1-related disorder. Also called: CYP27A1-related condition.
Cholestanol storage disease (CTX). Also called: CTX: Cerebrotendinous xanthomatosis; CEREBRAL CHOLESTERINOSIS; Cerebrotendinous Xanthomatosis. Identifiers: Orphanet 909, MedGen C0238052, MONDO:0008948, OMIM 213700.

gnomAD v4.1: 5 of 1,614,094 alleles (0.00031%); highest among the groups gnomAD compares: Non-Finnish European, 0.00042%; no homozygotes.

Submissions (2):

Labcorp Genetics (formerly Invitae), Labcorp
Classification: Pathogenic for Cholestanol storage disease. Last evaluated: 2023-12-28. Review status: criteria provided, single submitter. Criteria: Invitae Variant Classification Sherloc (09022015). Collection method: clinical testing. Allele origin: germline.
Comment: This sequence change affects a donor splice site in intron 7 of the CYP27A1 gene. RNA analysis indicates that disruption of this splice site induces altered splicing and may result in an absent or disrupted protein product. This variant is present in population databases (no rsID available, gnomAD 0.007%). Disruption of this splice site has been observed in individuals with cerebrotendinous xanthomatosis (PMID: 8827518, 26622071, 27878435). It has also been observed to segregate with disease in related individuals. ClinVar contains an entry for this variant (Variation ID: 1918228). Studies have shown that disruption of this splice site results in skipping of exon 7 and introduces a premature termination codon (PMID: 8827518). The resulting mRNA is expected to undergo nonsense-mediated decay. For these reasons, this variant has been classified as Pathogenic.

Blueprint Genetics
Classification: Pathogenic for CYP27A1-related disorders. Last evaluated: 2021-09-15. Review status: criteria provided, single submitter. Criteria: ACMG Guidelines, 2015. Collection method: clinical testing. Allele origin: germline. Affected: yes. Observed: 1 variant allele.

Literature cited by the submitters: PubMed 8827518 (cited by Labcorp Genetics (formerly Invitae), Labcorp); PubMed 26622071 (cited by Labcorp Genetics (formerly Invitae), Labcorp); PubMed 27878435 (cited by Labcorp Genetics (formerly Invitae), Labcorp).